The following is an entry in ClinVar:

ClinVar aggregate classification (germline): Pathogenic (1 of 4 stars; one submission).

Conditions:
Duchenne muscular dystrophy (DMD). Also called: Duchenne Muscular Dystrophy (DMD); MUSCULAR DYSTROPHY, PSEUDOHYPERTROPHIC PROGRESSIVE, DUCHENNE TYPE. Identifiers: Orphanet 98896, MedGen C0013264, MONDO:0010679, OMIM 310200.

Submission:

Broad Center for Mendelian Genomics, Broad Institute of MIT and Harvard
Classification: Pathogenic for Duchenne muscular dystrophy. Last evaluated: 2023-08-24. Review status: criteria provided, single submitter. Criteria: ACMG/ClinGen CNV Guidelines, 2019. Collection method: research. Allele origin: unknown. Inheritance: X-linked inheritance. Affected: yes.
Comment: Inheritance information is unavailable. The patient phenotype is nonspecific, but is consistent with cases described in the literature and/or published databases with overlapping variants. This exon deletion has also been reported in the literature in at least 2 individuals with Duchenne muscular dystrophy (PMID: 27560363). This deletion is predicted to lead to an absent protein. This intragenic variant is predicted to cause a frameshift, which alters the protein’s amino acid sequence beginning at exon 45 and leads to a premature termination codon. This alteration is then predicted to lead to a truncated or absent protein. Loss of function of DMD is an established disease mechanism in X-linked Duchenne muscular dystrophy. In summary, this variant meets criteria to be classified as pathogenic for X-linked Duchenne muscular dystrophy. The ACMG/ClinGen evidence codes and points used in this curation are as follows: 1: 0 points, 2: 0.90 points, 3: 0 points, 4-5: 0.30 points; Total: 1.20 points; Riggs 2020 (PMID: 31690835).

Literature cited by the submitters: PubMed 27560363.

GRCh38/hg38 Xp21.1(chrX:31782226-32088001)x0

Genes: DMD (dystrophin; minus strand), LOC129391296 (MPRA-validated peak7373 silencer; plus strand). Cytogenetic location: Xp21.1.
Variant type: copy number loss.
Change: copy number 0 of chrX:31,782,226-32,088,001 (305.8 kb, GRCh38 coordinates, 1-based), cytogenetic band Xp21.1.
Identifiers: ClinVar variation 2579215 (VCV002579215.1).